The following is an entry in ClinVar:

ClinVar aggregate classification (germline): Uncertain significance. Review status: reviewed by expert panel (3 of 4 stars). 2 submissions from 2 submitters: Uncertain significance (1). 1 of the submissions does not count toward it. Last evaluated 2025-12-19.

Conditions:
Immunodeficiency 14 (IMD14A). Also called: ACTIVATED PI3K-DELTA SYNDROME 1; Activated PI3K Delta Syndrome Type 1 (APDS1); p110-DELTA-ACTIVATING MUTATION CAUSING SENESCENT T CELLS, LYMPHADENOPATHY, AND IMMUNODEFICIENCY; IMMUNODEFICIENCY 14A WITH LYMPHOPROLIFERATION, AUTOSOMAL DOMINANT. Identifiers: Orphanet 397596, Orphanet 693661, MedGen C5907821, MONDO:0014222, OMIM 615513.

Submissions (2):

ClinGen Primary Immune Regulatory Disorders Variant Curation Expert Panel, ClinGen
Classification: Uncertain significance for Immunodeficiency 14. Last evaluated: 2025-12-19. Review status: reviewed by expert panel. Criteria: ClinGen AbDef ACMG Specifications PIK3CD V1.0.0. Collection method: curation. Allele origin: germline. Inheritance: Autosomal dominant inheritance.
Comment: NM_005026.5(PIK3CD):c.341A>C (p.Asn114Thr) is a missense variant that causes substitution of asparagine by threonine at amino acid 114. This variant is absent from gnomAD v4.1.0 (PM2_Supporting). This variant has been submitted to ClinVar in association with an affected patient with no condition specified (SCV004035856.1), and no published cases harboring the variant have been identified. The computational predictor REVEL gives a score of 0.074, which is below the ClinGen Antibody Deficiencies VCEP threshold of <0.290 and predicts a non-damaging effect on PIK3CD function. The computational predictor CADD gives a PHRED score of 21.1, which is below the ClinGen Antibody Deficiencies VCEP threshold of <22.7 and predicts a non-deleterious effect on PIK3CD function. The two predictors agree on a non-damaging effect (BP4). In summary, this variant meets the criteria to be classified as a variant of uncertain significance for autosomal dominant immunodeficiency 14 based on the ACMG/AMP criteria applied, as specified by the ClinGen Antibody Deficiencies VCEP: PM2_Supporting and BP4. (VCEP specifications version 1.0.0).

GeneDx
Classification: Uncertain significance. Last evaluated: 2023-03-13. Review status: criteria provided, single submitter. Criteria: GeneDx Variant Classification Process June 2021. Collection method: clinical testing. Allele origin: germline. Affected: yes. Not counted in ClinVar's aggregate classification.
Comment: Not observed at significant frequency in large population cohorts (gnomAD); In silico analysis supports that this missense variant has a deleterious effect on protein structure/function; Has not been previously published as pathogenic or benign to our knowledge

NM_005026.5(PIK3CD):c.341A>C (p.Asn114Thr)

Gene: PIK3CD (phosphatidylinositol-4,5-bisphosphate 3-kinase catalytic subunit delta; plus strand). Cytogenetic location: 1p36.22.
Variant type: single nucleotide variant.
Coding change: c.341A>C on transcript NM_005026.5 (MANE Select); coding-DNA position 341, A replaced by C.
Protein change: p.Asn114Thr; replaces asparagine 114 with threonine.
Molecular consequence: missense variant.
Genome position (GRCh38, 1-based): chr1:9,715,740, A>C. VCF-style: chr1-9715740-A-C. GRCh37 (hg19) VCF-style: chr1-9775798-A-C.
Other names: NM_005026.5(PIK3CD):c.341A>C; p.Asn114Thr; c.341A>C, p.Asn114Thr (NM_001350234.2, NM_001350235.1); short protein forms N114T.
Identifiers: ClinVar variation 2580095 (VCV002580095.1), dbSNP rs780165100, ClinGen allele CA338300380.